The following is an entry in ClinVar:

NM_000222.3(KIT):c.177T>C (p.Thr59=)

Gene: KIT (KIT proto-oncogene, receptor tyrosine kinase; plus strand). Cytogenetic location: 4q12.
Variant type: single nucleotide variant.
Coding change: c.177T>C on transcript NM_000222.3 (MANE Select); coding-DNA position 177, T replaced by C.
Protein change: p.Thr59=; no amino-acid change (threonine 59 retained).
Molecular consequence: synonymous variant.
Genome position (GRCh38, 1-based): chr4:54,695,621, T>C. VCF-style: chr4-54695621-T-C. GRCh37 (hg19) VCF-style: chr4-55561787-T-C.
Other names: c.177T>C, p.Thr59= (NM_001093772.2, NM_001385284.1, NM_001385285.1 and 4 more transcripts).
Identifiers: ClinVar variation 458891 (VCV000458891.16), dbSNP rs1553887306, ClinGen allele CA439409054.

ClinVar aggregate classification (germline): Benign/Likely benign. Review status: criteria provided, multiple submitters, no conflicts (2 of 4 stars). 4 submissions from 4 submitters: Benign (1); Likely benign (3). Last evaluated 2026-06-02.

Conditions:
Hereditary cancer-predisposing syndrome. Also called: Neoplastic Syndromes, Hereditary; Hereditary Cancer Syndrome; Hereditary neoplastic syndrome; Tumor predisposition. Identifiers: Orphanet 140162, MedGen C0027672, MeSH D009386, MONDO:0015356.
Gastrointestinal stromal tumor. Also called: Gastrointestinal stromal tumor, somatic; Gastrointestinal stroma tumor. Identifiers: Orphanet 44890, MedGen C0238198, MeSH D046152, MONDO:0011719, OMIM 606764, HP:0100723.

gnomAD v4.1: 13 of 1,614,260 alleles (0.00081%); highest among the groups gnomAD compares: Non-Finnish European, 0.0011%; no homozygotes.

Submissions (4):

Myriad Genetics, Inc.
Classification: Benign for Gastrointestinal stromal tumor. Last evaluated: 2026-06-02. Review status: criteria provided, single submitter. Criteria: Myriad Autosomal Dominant, Autosomal Recessive and X-Linked Classification Criteria (2023). Collection method: clinical testing. Allele origin: unknown.
Comment: This variant is considered benign. This variant is a silent/synonymous amino acid change and it is not expected to impact splicing.

Labcorp Genetics (formerly Invitae), Labcorp
Classification: Likely benign for Gastrointestinal stromal tumor. Last evaluated: 2026-01-19. Review status: criteria provided, single submitter. Criteria: Invitae Variant Classification Sherloc (09022015). Collection method: clinical testing. Allele origin: germline.

Blueprint Genetics
Classification: Likely benign. Last evaluated: 2024-07-24. Review status: criteria provided, single submitter. Criteria: ACMG Guidelines, 2015. Collection method: clinical testing. Allele origin: germline.

Ambry Genetics
Classification: Likely benign for Hereditary cancer-predisposing syndrome. Last evaluated: 2022-06-13. Review status: criteria provided, single submitter. Criteria: Ambry Variant Classification Scheme 2023. Collection method: clinical testing. Allele origin: germline.